The following is an entry in ClinVar:

ClinVar aggregate classification (germline): Uncertain significance. Review status: criteria provided, multiple submitters, no conflicts (2 of 4 stars). 3 submissions from 3 submitters: Uncertain significance (3). Last evaluated 2024-08-20.

Conditions:
Luscan-Lumish syndrome. Identifiers: Orphanet 597738, MedGen C4085873, MONDO:0014791, OMIM 616831.
Inborn genetic diseases. Identifiers: MedGen C0950123, MeSH D030342.

Allele frequency attached by ClinVar (database versions not stated): gnomAD exomes below 0.00001; TOPMed 0.00001; ExAC 0.00001.
gnomAD v4.1: 6 of 1,614,156 alleles (0.00037%); highest among the groups gnomAD compares: Admixed American, 0.0033%; no homozygotes.

Submissions (3):

Ambry Genetics
Classification: Uncertain significance for Inborn genetic diseases. Last evaluated: 2024-08-20. Review status: criteria provided, single submitter. Criteria: Ambry Variant Classification Scheme 2023. Collection method: clinical testing. Allele origin: germline.

GeneDx
Classification: Uncertain significance. Last evaluated: 2022-12-06. Review status: criteria provided, single submitter. Criteria: GeneDx Variant Classification Process June 2021. Collection method: clinical testing. Allele origin: germline. Affected: yes.
Comment: In silico analysis supports that this missense variant has a deleterious effect on protein structure/function; Has not been previously published as pathogenic or benign to our knowledge

Labcorp Genetics (formerly Invitae), Labcorp
Classification: Uncertain significance for Luscan-Lumish syndrome. Last evaluated: 2017-08-03. Review status: criteria provided, single submitter. Criteria: Invitae Variant Classification Sherloc (09022015). Collection method: clinical testing. Allele origin: germline.
Comment: In summary, the available evidence is currently insufficient to determine the role of this variant in disease. Therefore, it has been classified as a Variant of Uncertain Significance. Algorithms developed to predict the effect of missense changes on protein structure and function do not agree on the potential impact of this missense change (SIFT: "Tolerated"; PolyPhen-2: "Probably Damaging"; Align-GVGD: "Class C0"). This variant has not been reported in the literature in individuals with SETD2-related disease. This variant is present in population databases (rs772882978, ExAC 0.01%). This sequence change replaces glycine with arginine at codon 1365 of the SETD2 protein (p.Gly1365Arg). The glycine residue is moderately conserved and there is a moderate physicochemical difference between glycine and arginine.

NM_014159.7(SETD2):c.4093G>A (p.Gly1365Arg)

Gene: SETD2 (SET domain containing 2, histone lysine methyltransferase; minus strand). Cytogenetic location: 3p21.31.
Variant type: single nucleotide variant.
Coding change: c.4093G>A on transcript NM_014159.7 (MANE Select); coding-DNA position 4093, G replaced by A.
Protein change: p.Gly1365Arg; replaces glycine 1365 with arginine.
Molecular consequence: missense variant. On other transcripts: non-coding transcript variant (1).
Genome position (GRCh38, 1-based): chr3:47,120,543, C>T on the plus strand (G>A on the coding strand, the complement: SETD2 is on the minus strand). VCF-style: chr3-47120543-C-T. GRCh37 (hg19) VCF-style: chr3-47162033-C-T.
Other names: c.3961G>A, p.Gly1321Arg (NM_001349370.3); short protein forms G1365R, G1321R.
Identifiers: ClinVar variation 542233 (VCV000542233.7), dbSNP rs772882978, ClinGen allele CA2363261.
Genomic context (GRCh38, chr3:47,120,543, plus strand): 5'-CATTCACAGCTAAAGTGTCCTTAATGGAATTGCTGCTTATTTCAGGTGCTTGCACTGACC[C>T]CTTGTCTTTCTGAAGGGATAGAAGAAATTTATCGGACTGGTCTGAAAAATGGGATCCATC-3'
Protein context (NP_054878.5, residues 1355-1375): KFLLSLQKDK[Gly1365Arg]SVQAPEISSN